The following is an entry in ClinVar:

ClinVar aggregate classification (germline): Uncertain significance (1 of 4 stars; one submission).

Conditions:
Developmental and epileptic encephalopathy. Identifiers: MedGen C5779964, MONDO:0100620.

Allele frequency attached by ClinVar (database versions not stated): gnomAD exomes below 0.00001 and 0.00001; TOPMed below 0.00001; ExAC 0.00001.

Submission:

Labcorp Genetics (formerly Invitae), Labcorp
Classification: Uncertain significance for Early-infantile DEE. Last evaluated: 2017-04-25. Review status: criteria provided, single submitter. Criteria: Invitae Variant Classification Sherloc (09022015). Collection method: clinical testing. Allele origin: germline.
Comment: Algorithms developed to predict the effect of missense changes on protein structure and function do not agree on the potential impact of this missense change (SIFT: "Deleterious"; PolyPhen-2: "Probably Damaging"; Align-GVGD: "Class C0"). In summary, this is a rare missense change with uncertain impact on protein function. There is no indication that this variant causes disease, but the evidence is insufficient at this time to prove that conclusively. Therefore, it has been classified as a Variant of Uncertain Significance. This variant is present in population databases (rs769848295, ExAC 0.002%) but has not been reported in the literature in individuals with a CACNA2D2-related disease. This sequence change replaces serine with asparagine at codon 299 of the CACNA2D2 protein (p.Ser299Asn). The serine residue is highly conserved and there is a small physicochemical difference between serine and asparagine.

NM_006030.4(CACNA2D2):c.896G>A (p.Ser299Asn)

Gene: CACNA2D2 (calcium voltage-gated channel auxiliary subunit alpha2delta 2; minus strand). Cytogenetic location: 3p21.31.
Variant type: single nucleotide variant.
Coding change: c.896G>A on transcript NM_006030.4 (MANE Select); coding-DNA position 896, G replaced by A.
Protein change: p.Ser299Asn; replaces serine 299 with asparagine.
Molecular consequence: missense variant.
Genome position (GRCh38, 1-based): chr3:50,379,822, C>T on the plus strand (G>A on the coding strand, the complement: CACNA2D2 is on the minus strand). VCF-style: chr3-50379822-C-T. GRCh37 (hg19) VCF-style: chr3-50417253-C-T.
Other names: c.896G>A, p.Ser299Asn (NM_001005505.3, NM_001174051.3); c.689G>A, p.Ser230Asn (NM_001291101.1); short protein forms S299N, S230N.
Identifiers: ClinVar variation 240280 (VCV000240280.4), dbSNP rs769848295, ClinGen allele CA2419022.